The following is an entry in ClinVar:

ClinVar aggregate classification (germline): Uncertain significance. Review status: criteria provided, multiple submitters, no conflicts (2 of 4 stars). 2 submissions from 2 submitters: Uncertain significance (2). Last evaluated 2023-02-10.

Conditions:
Intellectual developmental disorder, X-linked 1. Also called: Atkin Flaitz Patil Smith syndrome; Intellectual disability, X-linked 1; MENTAL RETARDATION, X-LINKED 18; MENTAL RETARDATION, X-LINKED 78. Identifiers: Orphanet 777, MedGen C2931498, MONDO:0010656, OMIM 309530.
Inborn genetic diseases. Identifiers: MedGen C0950123, MeSH D030342.

Allele frequency attached by ClinVar (database versions not stated): gnomAD exomes below 0.00001.
gnomAD v4.1: 2 of 1,111,020 alleles (0.00018%); highest among the groups gnomAD compares: Non-Finnish European, 0.00024%; no homozygotes.

Submissions (2):

Ambry Genetics
Classification: Uncertain significance for Inborn genetic diseases. Last evaluated: 2023-02-10. Review status: criteria provided, single submitter. Criteria: Ambry Variant Classification Scheme 2023. Collection method: clinical testing. Allele origin: germline.

Labcorp Genetics (formerly Invitae), Labcorp
Classification: Uncertain significance for Intellectual developmental disorder, X-linked 1. Last evaluated: 2021-07-13. Review status: criteria provided, single submitter. Criteria: Invitae Variant Classification Sherloc (09022015). Collection method: clinical testing. Allele origin: germline.
Comment: This sequence change replaces histidine with tyrosine at codon 1377 of the IQSEC2 protein (p.His1377Tyr). The histidine residue is weakly conserved and there is a moderate physicochemical difference between histidine and tyrosine. The frequency data for this variant in the population databases is considered unreliable, as metrics indicate insufficient coverage at this position in the ExAC database. This variant has not been reported in the literature in individuals with IQSEC2-related conditions. Algorithms developed to predict the effect of missense changes on protein structure and function (SIFT, PolyPhen-2, Align-GVGD) all suggest that this variant is likely to be tolerated, but these predictions have not been confirmed by published functional studies and their clinical significance is uncertain. In summary, the available evidence is currently insufficient to determine the role of this variant in disease. Therefore, it has been classified as a Variant of Uncertain Significance.

NM_001111125.3(IQSEC2):c.4129C>T (p.His1377Tyr)

Gene: IQSEC2 (IQ motif and Sec7 domain ArfGEF 2; minus strand). Cytogenetic location: Xp11.22.
Variant type: single nucleotide variant.
Coding change: c.4129C>T on transcript NM_001111125.3 (MANE Select); coding-DNA position 4129, C replaced by T.
Protein change: p.His1377Tyr; replaces histidine 1377 with tyrosine.
Molecular consequence: missense variant. On other transcripts: 3 prime UTR variant (1).
Genome position (GRCh38, 1-based): chrX:53,234,557, G>A on the plus strand (C>T on the coding strand, the complement: IQSEC2 is on the minus strand). VCF-style: chrX-53234557-G-A. GRCh37 (hg19) VCF-style: chrX-53263739-G-A.
Other names: c.*614C>T (NM_015075.2); c.4129C>T (NM_001111125.2); short protein forms H1377Y.
Identifiers: ClinVar variation 1016138 (VCV001016138.10), dbSNP rs1556859050, ClinGen allele CA413139411.
Genomic context (GRCh38, chrX:53,234,557, plus strand): 5'-TCATCTGTGGGTGGTGGCTGAAGATGAAGTGCTTAGGGCCCTGTTTGTGGGCTGGAGGGT[G>A]CTGGGGGGCAGGACTGTACAGGGGCAGTGGGGATGTGGGCTGGTGCAGGGGGTGGCGGCC-3'
Protein context (NP_001104595.1, residues 1367-1387): PLPLYSPAPQ[His1377Tyr]PPAHKQGPKH